The following is an entry in ClinVar:

NM_000202.8(IDS):c.1222delinsTA (p.Pro408fs)

Gene: IDS (iduronate 2-sulfatase; minus strand). Cytogenetic location: Xq28.
Variant type: Indel.
Coding change: c.1222delinsTA on transcript NM_000202.8 (MANE Select); coding-DNA position 1222, C replaced by TA.
Protein change: p.Pro408fs; shifts the reading frame from proline 408.
Molecular consequence: frameshift variant.
Genome position (GRCh38, 1-based): chrX:149,483,177, G replaced by TA on the plus strand (C replaced by TA on the coding strand, the reverse complement: IDS is on the minus strand). VCF-style: chrX-149483177-G-TA. GRCh37 (hg19) VCF-style: chrX-148564708-G-TA.
Other names: c.952delinsTA, p.Pro318fs (NM_001166550.4); short protein forms P318fs, P408fs.
Identifiers: ClinVar variation 3255994 (VCV003255994.2).

ClinVar aggregate classification (germline): Likely pathogenic (1 of 4 stars; one submission).

Conditions:
Mucopolysaccharidosis, MPS-II (MPS2). Also called: Hunter Syndrome; IDURONATE 2-SULFATASE DEFICIENCY; Mucopolysaccharidosis Type II; Mucopolysaccharidosis type 2; Attenuated MPS (subtype; formerly known as mild MPS II); Severe MPS II. Identifiers: Orphanet 580, Orphanet 79388, MedGen C0026705, MONDO:0010674, OMIM 309900.

Submission:

Laboratory of Diagnosis and Therapy of Lysosomal Disorders, University of Padova
Classification: Likely pathogenic for Mucopolysaccharidosis, MPS-II. Last evaluated: 2024-06-07. Review status: criteria provided, single submitter. Criteria: ACMG Guidelines, 2015. Collection method: literature only. Allele origin: germline. Affected: yes. Observed: 1 variant allele.
Comment: Null variant (PVS1_Strong), Absent from controls (or at low frequency) in gnomAD database (PM2_Moderate), Patient’s phenotype or family history highly specific for the disease (PP4_Moderate)

Classification method: ACMG Guidelines [PMID:25741868] with modifications

Literature cited by the submitters: PubMed 21291454.